The following is an entry in ClinVar:

NM_001267550.2(TTN):c.72926del (p.Ser24309fs)

Genes: TTN-AS1 (TTN antisense RNA 1; plus strand), TTN (titin; minus strand). Cytogenetic location: 2q31.2.
Variant type: Deletion.
Coding change: c.72926del on transcript NM_001267550.2 (MANE Select); coding-DNA position 72926, one base deleted (G; older notation c.72926delG).
Protein change: p.Ser24309fs; shifts the reading frame from serine 24309.
Molecular consequence: frameshift variant.
Genome position (GRCh38, 1-based): chr2:178,573,206, C deleted on the plus strand (G on the coding strand, the reverse complement: TTN is on the minus strand). VCF-style (leftmost placement, unchanged base first): chr2-178573205-AC-A. GRCh37 (hg19) VCF-style: chr2-179437932-AC-A.
Other names: c.68003del, p.Ser22668fs (NM_001256850.1); c.45731del, p.Ser15244fs (NM_003319.4); c.65222del, p.Ser21741fs (NM_133378.4); c.46106del, p.Ser15369fs (NM_133432.3); c.46307del, p.Ser15436fs (NM_133437.4); short protein forms S15244fs, S15369fs, S15436fs, S21741fs, S22668fs, S24309fs.
Identifiers: ClinVar variation 3760330 (VCV003760330.2).

ClinVar aggregate classification (germline): Likely pathogenic (1 of 4 stars; one submission).

Conditions:
Autosomal recessive limb-girdle muscular dystrophy type 2J (LGMDR10). Also called: Limb-girdle muscular dystrophy, type 2J; MUSCULAR DYSTROPHY, LIMB-GIRDLE, AUTOSOMAL RECESSIVE 10. Identifiers: Orphanet 140922, MedGen C1837342, MONDO:0012127, OMIM 608807.
Dilated cardiomyopathy 1G (CMD1G). Identifiers: Orphanet 154, MedGen C1858763, MONDO:0011400, OMIM 604145.

Submission:

Labcorp Genetics (formerly Invitae), Labcorp
Classification: Likely pathogenic for Dilated cardiomyopathy 1G; Autosomal recessive limb-girdle muscular dystrophy type 2J. Last evaluated: 2025-01-15. Review status: criteria provided, single submitter. Criteria: Invitae Variant Classification Sherloc (09022015). Collection method: clinical testing. Allele origin: germline.
Comment: This sequence change creates a premature translational stop signal (p.Ser24309Ilefs*94) in the TTN gene. While this is not anticipated to result in nonsense mediated decay, it is expected to create a truncated TTN protein. This variant is not present in population databases (gnomAD no frequency). This variant has not been reported in the literature in individuals affected with TTN-related conditions. This variant is located in the A band of TTN (PMID: 25589632). Truncating variants in this region are significantly overrepresented in patients affected with dilated cardiomyopathy (PMID: 25589632). Truncating variants in this region have also been reported in individuals affected with autosomal recessive centronuclear myopathy (PMID: 23975875). In summary, the currently available evidence indicates that the variant is pathogenic, but additional data are needed to prove that conclusively. Therefore, this variant has been classified as Likely Pathogenic.

Literature cited by the submitters: PubMed 25589632; PubMed 23975875.